The following is an entry in ClinVar:

NM_001046.3(SLC12A2):c.502A>G (p.Asn168Asp)

Gene: SLC12A2 (solute carrier family 12 member 2; plus strand). Cytogenetic location: 5q23.3.
Variant type: single nucleotide variant.
Coding change: c.502A>G on transcript NM_001046.3 (MANE Select); coding-DNA position 502, A replaced by G.
Protein change: p.Asn168Asp; replaces asparagine 168 with aspartic acid.
Molecular consequence: missense variant. On other transcripts: non-coding transcript variant (1).
Genome position (GRCh38, 1-based): chr5:128,084,456, A>G. VCF-style: chr5-128084456-A-G. GRCh37 (hg19) VCF-style: chr5-127420148-A-G.
Other names: c.502A>G, p.Asn168Asp (NM_001256461.2); short protein forms N168D.
Identifiers: ClinVar variation 1321141 (VCV001321141.2), dbSNP rs2126629912, ClinGen allele CA360736622.

ClinVar aggregate classification (germline): Uncertain significance (1 of 4 stars; one submission).

gnomAD v4.1: 1 of 1,612,476 alleles (0.000062%); highest among the groups gnomAD compares: South Asian, 0.0011%; no homozygotes.

Submission:

GeneDx
Classification: Uncertain significance. Last evaluated: 2019-07-03. Review status: criteria provided, single submitter. Criteria: GeneDx Variant Classification Process June 2021. Collection method: clinical testing. Allele origin: germline. Affected: yes.
Comment: Not observed in large population cohorts (Lek et al., 2016); In silico analysis, which includes protein predictors and evolutionary conservation, supports that this variant does not alter protein structure/function; Has not been previously published as pathogenic or benign to our knowledge; Variants in candidate genes are classified as variants of uncertain significance in accordance with ACMG guidelines (Richards et al., 2015)